The following is an entry in ClinVar:

NM_007078.3(LDB3):c.2092G>T (p.Ala698Ser)

Gene: LDB3 (LIM domain binding 3; plus strand). Cytogenetic location: 10q23.2.
Variant type: single nucleotide variant.
Coding change: c.2092G>T on transcript NM_007078.3 (MANE Select); coding-DNA position 2092, G replaced by T.
Protein change: p.Ala698Ser; replaces alanine 698 with serine.
Molecular consequence: missense variant.
Genome position (GRCh38, 1-based): chr10:86,726,250, G>T. VCF-style: chr10-86726250-G-T. GRCh37 (hg19) VCF-style: chr10-88486007-G-T.
Other names: p.A698S:GCA>TCA; c.1762G>T, p.Ala588Ser (NM_001080114.2); c.2107G>T, p.Ala703Ser (NM_001171610.2); c.1903G>T, p.Ala635Ser (NM_001368064.1, NM_001368065.1); c.1951G>T, p.Ala651Ser (NM_001368066.1); short protein forms A698S, A588S, A635S, A703S, A651S.
Identifiers: ClinVar variation 201855 (VCV000201855.9), dbSNP rs45577134, ClinGen allele CA308651.

ClinVar aggregate classification (germline): Uncertain significance. Review status: criteria provided, multiple submitters, no conflicts (2 of 4 stars). 2 submissions from 2 submitters: Uncertain significance (2). Last evaluated 2022-10-25.

Conditions:
Myofibrillar myopathy 4. Also called: Zaspopathy (type). Identifiers: Orphanet 98912, MedGen C4721886, MONDO:0012277, OMIM 609452.

gnomAD v4.1: 1 of 1,613,018 alleles (0.000062%); highest among the groups gnomAD compares: Non-Finnish European, 0.000085%; no homozygotes.

Submissions (2):

Labcorp Genetics (formerly Invitae), Labcorp
Classification: Uncertain significance for Myofibrillar myopathy 4. Last evaluated: 2022-10-25. Review status: criteria provided, single submitter. Criteria: Invitae Variant Classification Sherloc (09022015). Collection method: clinical testing. Allele origin: germline.
Comment: In summary, the available evidence is currently insufficient to determine the role of this variant in disease. Therefore, it has been classified as a Variant of Uncertain Significance. Experimental studies and prediction algorithms are not available or were not evaluated, and the functional significance of this variant is currently unknown. This variant has not been reported in the literature in individuals affected with LDB3-related conditions. This variant is not present in population databases (gnomAD no frequency). This sequence change replaces alanine, which is neutral and non-polar, with serine, which is neutral and polar, at codon 698 of the LDB3 protein (p.Ala698Ser). The LDB3 gene has multiple clinically relevant transcripts. This variant occurs in alternate transcript NM_007078.3, and corresponds to NM_001080116.1:c.*26876G>T in the primary transcript.

GeneDx
Classification: Uncertain significance. Last evaluated: 2014-03-21. Review status: criteria provided, single submitter. Criteria: GeneDx Variant Classification (06012015). Collection method: clinical testing. Allele origin: germline. Affected: yes.
Comment: p.Ala698Ser (GCA>TCA): c.2092 G>T in exon 12 of the LDB3 gene (NM_007078.2). The A698S variant has not been published as a mutation, nor has it been reported as a benign polymorphism to our knowledge. The A698S variant was not observed in approximately 6500 individuals of European and African American ancestry in the NHLBI Exome Sequencing Project, indicating it is not a common benign variant in these populations. The A698S variant is a non-conservative amino acid substitution, which is likely to impact secondary protein structure as these residues differ in polarity, charge, size and/or other properties. This substitution occurs at a position that is conserved across species. However, missense mutations in nearby residues have not been reported, indicating this region of the protein may tolerate change. In silico analysis is inconsistent in its predictions as to whether or not the variant is damaging to the protein structure/function. Therefore, based on the currently available information, it is unclear whether this variant is a pathogenic mutation or a rare benign variant. The variant is found in CARDIOMYOPATHY panel(s).